The following is an entry in ClinVar:

ClinVar aggregate classification (germline): Pathogenic/Likely pathogenic. Review status: criteria provided, multiple submitters, no conflicts (2 of 4 stars). 6 submissions from 6 submitters: Pathogenic (3); Likely pathogenic (3). Last evaluated 2025-12-08.

Conditions:
Hereditary cancer-predisposing syndrome. Also called: Hereditary Cancer Syndrome; Hereditary neoplastic syndrome; Neoplastic Syndromes, Hereditary; Tumor predisposition. Identifiers: Orphanet 140162, MedGen C0027672, MeSH D009386, MONDO:0015356.
Bloom syndrome (BLM). Also called: Bloom-Torre-Machacek syndrome. Identifiers: Orphanet 125, MedGen C0005859, MONDO:0008876, OMIM 210900.

Submissions (6):

Myriad Genetics, Inc.
Classification: Pathogenic for Bloom syndrome. Last evaluated: 2025-12-08. Review status: criteria provided, single submitter. Criteria: Myriad Autosomal Dominant, Autosomal Recessive and X-Linked Classification Criteria (2023). Collection method: clinical testing. Allele origin: unknown.
Comment: This variant is considered pathogenic. This variant creates a frameshift predicted to result in premature protein truncation.

Natera, Inc.
Classification: Likely pathogenic for Bloom syndrome. Last evaluated: 2025-06-18. Review status: criteria provided, single submitter. Criteria: Natera Variant Classification Schema (03/2026). Collection method: clinical testing. Allele origin: germline.
Comment: The c.213_214delTT variant in BLM is a frameshift variant predicted to shift the reading frame beginning at codon 72 and leads to a stop codon 3 codons downstream. This variant is expected to result in nonsense mediated decay, truncation, or a dysfunctional protein product. This variant is rare in the general population with a frequency below the threshold expected for the associated phenotype(s). Given the available evidence, this variant is classified as Likely Pathogenic.

Labcorp Genetics (formerly Invitae), Labcorp
Classification: Pathogenic for Bloom syndrome. Last evaluated: 2025-02-04. Review status: criteria provided, single submitter. Criteria: Invitae Variant Classification Sherloc (09022015). Collection method: clinical testing. Allele origin: germline.
Comment: This sequence change creates a premature translational stop signal (p.Ser72Leufs*3) in the BLM gene. It is expected to result in an absent or disrupted protein product. Loss-of-function variants in BLM are known to be pathogenic (PMID: 17407155). This variant is present in population databases (no rsID available, gnomAD 0.0009%). This variant has not been reported in the literature in individuals affected with BLM-related conditions. ClinVar contains an entry for this variant (Variation ID: 454095). For these reasons, this variant has been classified as Pathogenic.

Fulgent Genetics
Classification: Likely pathogenic for Bloom syndrome. Last evaluated: 2024-02-05. Review status: criteria provided, single submitter. Criteria: ACMG Guidelines, 2015. Collection method: clinical testing. Allele origin: germline.

Baylor Genetics
Classification: Likely pathogenic for Bloom syndrome. Last evaluated: 2023-04-08. Review status: criteria provided, single submitter. Criteria: ACMG Guidelines, 2015. Collection method: clinical testing. Allele origin: unknown.

Ambry Genetics
Classification: Pathogenic for Hereditary cancer-predisposing syndrome. Last evaluated: 2021-06-16. Review status: criteria provided, single submitter. Criteria: Ambry Variant Classification Scheme 2023. Collection method: clinical testing. Allele origin: germline.
Comment: The c.213_214delTT pathogenic mutation, located in coding exon 2 of the BLM gene, results from a deletion of two nucleotides at nucleotide positions 213 to 214, causing a translational frameshift with a predicted alternate stop codon (p.S72Lfs*3). This alteration is expected to result in loss of function by premature protein truncation or nonsense-mediated mRNA decay. As such, this alteration is interpreted as a disease-causing mutation.

Literature cited by the submitters: PubMed 17407155 (cited by Labcorp Genetics (formerly Invitae), Labcorp).

NM_000057.4(BLM):c.213_214del (p.Ser72fs)

Gene: BLM (BLM RecQ like helicase; plus strand). Cytogenetic location: 15q26.1.
Variant type: Deletion.
Coding change: c.213_214del on transcript NM_000057.4 (MANE Select); coding-DNA positions 213 to 214, 2 bases deleted (TT; older notation c.213_214delTT).
Protein change: p.Ser72fs; shifts the reading frame from serine 72.
Molecular consequence: frameshift variant. On other transcripts: 5 prime UTR variant (1).
Genome position (GRCh38, 1-based): chr15:90,749,481-90,749,482, TT deleted; deleting any 2 consecutive bases within chr15:90,749,479-90,749,482 gives the same sequence; the c. name uses the placement nearest the transcript's 3' end. VCF-style (leftmost placement, unchanged base first): chr15-90749478-CTT-C. GRCh37 (hg19) VCF-style: chr15-91292708-CTT-C.
Other names: c.213_214del, p.Ser72fs (NM_001287246.2, NM_001287247.2); c.-1079_-1078del (NM_001287248.2); c.213_214del (NM_000057.3); short protein forms S72fs.
Identifiers: ClinVar variation 454095 (VCV000454095.16), dbSNP rs960430492, ClinGen allele CA274727739.